The following is an entry in ClinVar:

ClinVar aggregate classification (germline): Uncertain significance (1 of 4 stars; one submission).

Submission:

GeneDx
Classification: Uncertain significance. Last evaluated: 2024-05-20. Review status: criteria provided, single submitter. Criteria: GeneDx Variant Classification Process June 2021. Collection method: clinical testing. Allele origin: germline. Affected: yes.
Comment: Not observed at significant frequency in large population cohorts (gnomAD); In silico analysis indicates that this missense variant does not alter protein structure/function; Has not been previously published as pathogenic or benign to our knowledge

NM_015215.4(CAMTA1):c.736C>G (p.Gln246Glu)

Gene: CAMTA1 (calmodulin binding transcription activator 1; plus strand). Cytogenetic location: 1p36.23.
Variant type: single nucleotide variant.
Coding change: c.736C>G on transcript NM_015215.4 (MANE Select); coding-DNA position 736, C replaced by G.
Protein change: p.Gln246Glu; replaces glutamine 246 with glutamic acid.
Molecular consequence: missense variant.
Genome position (GRCh38, 1-based): chr1:7,661,797, C>G. VCF-style: chr1-7661797-C-G. GRCh37 (hg19) VCF-style: chr1-7721857-C-G.
Other names: c.646C>G, p.Gln216Glu (NM_001349608.2, NM_001349612.2); c.736C>G, p.Gln246Glu (NM_001349609.2, NM_001349610.2, NM_001410737.1); c.664C>G, p.Gln222Glu (NM_001410738.1); short protein forms Q216E, Q222E, Q246E.
Identifiers: ClinVar variation 3381506 (VCV003381506.1).